The following is an entry in ClinVar:

NM_001430.5(EPAS1):c.595G>C (p.Val199Leu)

Genes: EPAS1 (endothelial PAS domain protein 1; plus strand), LOC126806210 (BRD4-independent group 4 enhancer GRCh37_chr2:46587586-46588785; plus strand). Cytogenetic location: 2p21.
Variant type: single nucleotide variant.
Coding change: c.595G>C on transcript NM_001430.5 (MANE Select); coding-DNA position 595, G replaced by C.
Protein change: p.Val199Leu; replaces valine 199 with leucine.
Molecular consequence: missense variant.
Genome position (GRCh38, 1-based): chr2:46,360,906, G>C. VCF-style: chr2-46360906-G-C. GRCh37 (hg19) VCF-style: chr2-46588045-G-C.
Other names: short protein forms V199L.
Identifiers: ClinVar variation 1750731 (VCV001750731.2), dbSNP rs2546455302, ClinGen allele CA346699756.

ClinVar aggregate classification (germline): Uncertain significance (1 of 4 stars; one submission).

Conditions:
Inborn genetic diseases. Identifiers: MedGen C0950123, MeSH D030342.

Allele frequency attached by ClinVar (database versions not stated): gnomAD exomes below 0.00001.
gnomAD v4.1: 1 of 1,614,178 alleles (0.000062%); highest among the groups gnomAD compares: African/African-American, 0.0013%; no homozygotes.

Submission:

Ambry Genetics
Classification: Uncertain significance for Inborn genetic diseases. Last evaluated: 2021-12-18. Review status: criteria provided, single submitter. Criteria: Ambry Variant Classification Scheme 2023. Collection method: clinical testing. Allele origin: germline.
Comment: The p.V199L variant (also known as c.595G>C), located in coding exon 6 of the EPAS1 gene, results from a G to C substitution at nucleotide position 595. The valine at codon 199 is replaced by leucine, an amino acid with highly similar properties. This amino acid position is conserved. In addition, this alteration is predicted to be tolerated by in silico analysis. Since supporting evidence is limited at this time, the clinical significance of this alteration remains unclear.